The following is an entry in ClinVar:

NM_003051.4(SLC16A1):c.1332T>G (p.Asn444Lys)

Gene: SLC16A1 (solute carrier family 16 member 1; minus strand). Cytogenetic location: 1p13.2.
Variant type: single nucleotide variant.
Coding change: c.1332T>G on transcript NM_003051.4 (MANE Select); coding-DNA position 1332, T replaced by G.
Protein change: p.Asn444Lys; replaces asparagine 444 with lysine.
Molecular consequence: missense variant.
Genome position (GRCh38, 1-based): chr1:112,914,062, A>C on the plus strand (T>G on the coding strand, the complement: SLC16A1 is on the minus strand). VCF-style: chr1-112914062-A-C. GRCh37 (hg19) VCF-style: chr1-113456684-A-C.
Other names: c.1332T>G, p.Asn444Lys (NM_001166496.2); short protein forms N444K.
Identifiers: ClinVar variation 3652245 (VCV003652245.2).

ClinVar aggregate classification (germline): Uncertain significance (1 of 4 stars; one submission).

Submission:

Labcorp Genetics (formerly Invitae), Labcorp
Classification: Uncertain significance. Last evaluated: 2024-05-27. Review status: criteria provided, single submitter. Criteria: Invitae Variant Classification Sherloc (09022015). Collection method: clinical testing. Allele origin: germline.
Comment: This sequence change replaces asparagine, which is neutral and polar, with lysine, which is basic and polar, at codon 444 of the SLC16A1 protein (p.Asn444Lys). This variant is not present in population databases (gnomAD no frequency). This variant has not been reported in the literature in individuals affected with SLC16A1-related conditions. An algorithm developed to predict the effect of missense changes on protein structure and function (PolyPhen-2) suggests that this variant is likely to be disruptive. In summary, the available evidence is currently insufficient to determine the role of this variant in disease. Therefore, it has been classified as a Variant of Uncertain Significance.